The following is an entry in ClinVar:

NM_004385.5(VCAN):c.6305A>C (p.Glu2102Ala)

Genes: VCAN (versican; plus strand), VCAN-AS1 (VCAN antisense RNA 1; minus strand). Cytogenetic location: 5q14.3.
Variant type: single nucleotide variant.
Coding change: c.6305A>C on transcript NM_004385.5 (MANE Select); coding-DNA position 6305, A replaced by C.
Protein change: p.Glu2102Ala; replaces glutamic acid 2102 with alanine.
Molecular consequence: missense variant. On other transcripts: intron variant (2).
Genome position (GRCh38, 1-based): chr5:83,539,308, A>C. VCF-style: chr5-83539308-A-C. GRCh37 (hg19) VCF-style: chr5-82835127-A-C.
Other names: c.3344A>C, p.Glu1115Ala (NM_001164097.2); c.4004-6229A>C (NM_001164098.2); c.1043-6229A>C (NM_001126336.3); short protein forms E1115A, E2102A.
Identifiers: ClinVar variation 2119819 (VCV002119819.4), dbSNP rs1746866426, ClinGen allele CA360312254.

ClinVar aggregate classification (germline): Uncertain significance (1 of 4 stars; one submission).

Allele frequency attached by ClinVar (database versions not stated): gnomAD exomes 0.00001.
gnomAD v4.1: 4 of 1,614,096 alleles (0.00025%); highest among the groups gnomAD compares: East Asian, 0.0089%; no homozygotes.

Submission:

Labcorp Genetics (formerly Invitae), Labcorp
Classification: Uncertain significance. Last evaluated: 2022-03-31. Review status: criteria provided, single submitter. Criteria: Invitae Variant Classification Sherloc (09022015). Collection method: clinical testing. Allele origin: germline.
Comment: This sequence change replaces glutamic acid, which is acidic and polar, with alanine, which is neutral and non-polar, at codon 2102 of the VCAN protein (p.Glu2102Ala). This variant is not present in population databases (gnomAD no frequency). This variant has not been reported in the literature in individuals affected with VCAN-related conditions. Algorithms developed to predict the effect of missense changes on protein structure and function are either unavailable or do not agree on the potential impact of this missense change (SIFT: "Deleterious"; PolyPhen-2: "Benign"; Align-GVGD: "Class C65"). In summary, the available evidence is currently insufficient to determine the role of this variant in disease. Therefore, it has been classified as a Variant of Uncertain Significance.